The following is an entry in ClinVar:

NM_001365693.1(MGAM):c.4692G>A (p.Glu1564=)

Gene: MGAM (maltase-glucoamylase; plus strand). Cytogenetic location: 7q34.
Variant type: single nucleotide variant.
Coding change: c.4692G>A on transcript NM_001365693.1 (MANE Select); coding-DNA position 4692, G replaced by A.
Protein change: p.Glu1564=; no amino-acid change (glutamic acid 1564 retained).
Molecular consequence: synonymous variant. On other transcripts: intron variant (1).
Genome position (GRCh38, 1-based): chr7:142,065,753, G>A. VCF-style: chr7-142065753-G-A. GRCh37 (hg19) VCF-style: chr7-141765553-G-A.
Other names: c.4618+285G>A (NM_004668.3).
Identifiers: ClinVar variation 3041855 (VCV003041855.2), dbSNP rs112173916, ClinGen allele CA168122811.

ClinVar aggregate classification (germline): Likely benign (0 of 4 stars; one submission).

Conditions:
MGAM-related disorder. Also called: MGAM-related condition.

Allele frequency attached by ClinVar (database versions not stated): ExAC 0.00001; 1000 Genomes Project 0.02676.

Submission:

PreventionGenetics, part of Exact Sciences
Classification: Likely benign for MGAM-related condition. Last evaluated: 2022-06-06. Review status: no assertion criteria provided. Collection method: clinical testing. Allele origin: germline.
Comment: This variant is classified as likely benign based on ACMG/AMP sequence variant interpretation guidelines (Richards et al. 2015 PMID: 25741868, with internal and published modifications).